The following is an entry in ClinVar:

ClinVar aggregate classification (germline): Likely pathogenic (1 of 4 stars; one submission).

Conditions:
CHARGE syndrome (CHARGE). Also called: Hittner Hirsch Kreh syndrome; CHARGE ASSOCIATION--COLOBOMA, HEART ANOMALY, CHOANAL ATRESIA, RETARDATION, GENITAL AND EAR ANOMALIES; Coloboma, heart anomaly, choanal atresia, retardation, genital and ear anomalies; CHARGE association; Hall-Hittner syndrome. Identifiers: Orphanet 138, MedGen C0265354, MONDO:0008965.

Submission:

Dasa
Classification: Likely pathogenic for CHARGE syndrome. Last evaluated: 2026-04-20. Review status: criteria provided, single submitter. Criteria: DASA Assertion Criteria. Collection method: clinical testing. Allele origin: germline.
Comment: NM_017780.4(CHD7):c.2012dup (p.Lys672Glufs*4) is a frameshift variant in CHD7 predicted to alter the reading frame and introduce a premature termination codon and is predicted to result in an absent or altered protein product. Loss of function is an established disease mechanism for CHD7 (PMID: 21158681; PMID: 16400610; PMID: 19248844). Also, this variant is rare in population databases. Based on the currently available evidence, this variant is classified as likely pathogenic.

Literature cited by the submitters: PubMed 21158681; PubMed 16400610; PubMed 19248844.

NM_017780.4(CHD7):c.2012dup (p.Lys672fs)

Genes: CHD7 (chromodomain helicase DNA binding protein 7; plus strand), LOC126860403 (CDK7 strongly-dependent group 2 enhancer GRCh37_chr8:61693034-61694233; plus strand). Cytogenetic location: 8q12.2.
Variant type: Duplication.
Coding change: c.2012dup on transcript NM_017780.4 (MANE Select); coding-DNA position 2012, one base duplicated (C; older notation c.2012dupC).
Protein change: p.Lys672fs; shifts the reading frame from lysine 672.
Molecular consequence: frameshift variant. On other transcripts: intron variant (1).
Genome position (GRCh38, 1-based): chr8:60,781,346, C duplicated; the last of 4 consecutive C bases (chr8:60,781,343-60,781,346); duplicating any one gives the same sequence. VCF-style (leftmost placement, unchanged base first): chr8-60781342-A-AC. GRCh37 (hg19) VCF-style: chr8-61693901-A-AC.
Other names: c.1716+296dup (NM_001316690.1); short protein forms K672fs.
Identifiers: ClinVar variation 4884265 (VCV004884265.2).